The following is an entry in ClinVar:

NM_000969.5(RPL5):c.367G>C (p.Val123Leu)

Genes: DIPK1A (divergent protein kinase domain 1A; minus strand), RPL5 (ribosomal protein L5; plus strand). Cytogenetic location: 1p22.1.
Variant type: single nucleotide variant.
Coding change: c.367G>C on transcript NM_000969.5 (MANE Select); coding-DNA position 367, G replaced by C.
Protein change: p.Val123Leu; replaces valine 123 with leucine.
Molecular consequence: missense variant. On other transcripts: non-coding transcript variant (1), intron variant (1).
Genome position (GRCh38, 1-based): chr1:92,836,232, G>C. VCF-style: chr1-92836232-G-C. GRCh37 (hg19) VCF-style: chr1-93301789-G-C.
Other names: c.475-3198C>G (NM_001252273.2); short protein forms V123L.
Identifiers: ClinVar variation 2901287 (VCV002901287.3), dbSNP rs1227628823, ClinGen allele CA341241993.

ClinVar aggregate classification (germline): Uncertain significance (1 of 4 stars; one submission).

Conditions:
Diamond-Blackfan anemia. Also called: Blackfan Diamond syndrome; Aregenerative anemia chronic congenital; Red cell aplasia, pure hereditary; Congenital hypoplastic anemia; Aase syndrome. Identifiers: Orphanet 124, MedGen C1260899, MeSH D029503, MONDO:0015253, HP:0004810.

Allele frequency attached by ClinVar (database versions not stated): gnomAD 0.00001; TOPMed 0.00003.
gnomAD v4.1: 2 of 1,613,184 alleles (0.00012%); highest among the groups gnomAD compares: African/African-American, 0.0027%; no homozygotes.

Submission:

Labcorp Genetics (formerly Invitae), Labcorp
Classification: Uncertain significance for Diamond-Blackfan anemia. Last evaluated: 2025-06-11. Review status: criteria provided, single submitter. Criteria: Invitae Variant Classification Sherloc (09022015). Collection method: clinical testing. Allele origin: germline.
Comment: This sequence change replaces valine, which is neutral and non-polar, with leucine, which is neutral and non-polar, at codon 123 of the RPL5 protein (p.Val123Leu). This variant is not present in population databases (gnomAD no frequency). This variant has not been reported in the literature in individuals affected with RPL5-related conditions. ClinVar contains an entry for this variant (Variation ID: 2901287). Invitae Evidence Modeling of protein sequence and biophysical properties (such as structural, functional, and spatial information, amino acid conservation, physicochemical variation, residue mobility, and thermodynamic stability) indicates that this missense variant is not expected to disrupt RPL5 protein function with a negative predictive value of 80%. In summary, the available evidence is currently insufficient to determine the role of this variant in disease. Therefore, it has been classified as a Variant of Uncertain Significance.